The following is an entry in ClinVar:

NM_007254.4(PNKP):c.1193C>T (p.Thr398Met)

Gene: PNKP (polynucleotide kinase 3'-phosphatase; minus strand). Cytogenetic location: 19q13.33.
Variant type: single nucleotide variant.
Coding change: c.1193C>T on transcript NM_007254.4 (MANE Select); coding-DNA position 1193, C replaced by T.
Protein change: p.Thr398Met; replaces threonine 398 with methionine.
Molecular consequence: missense variant.
Genome position (GRCh38, 1-based): chr19:49,861,877, G>A on the plus strand (C>T on the coding strand, the complement: PNKP is on the minus strand). VCF-style: chr19-49861877-G-A. GRCh37 (hg19) VCF-style: chr19-50365134-G-A.
Other names: short protein forms T398M.
Identifiers: ClinVar variation 1472393 (VCV001472393.4), dbSNP rs1010036717, ClinGen allele CA309540097.

ClinVar aggregate classification (germline): Uncertain significance (1 of 4 stars; one submission).

Conditions:
Developmental and epileptic encephalopathy, 12 (DEE12). Identifiers: MedGen C3150988, MONDO:0013389, OMIM 613722.

Allele frequency attached by ClinVar (database versions not stated): gnomAD 0.00001; gnomAD exomes 0.00001; TOPMed 0.00001.
gnomAD v4.1: 11 of 1,589,208 alleles (0.00069%); highest among the groups gnomAD compares: Non-Finnish European, 0.00094%; no homozygotes.

Submission:

Labcorp Genetics (formerly Invitae), Labcorp
Classification: Uncertain significance for Developmental and epileptic encephalopathy, 12. Last evaluated: 2021-12-21. Review status: criteria provided, single submitter. Criteria: Invitae Variant Classification Sherloc (09022015). Collection method: clinical testing. Allele origin: germline.
Comment: This sequence change replaces threonine, which is neutral and polar, with methionine, which is neutral and non-polar, at codon 398 of the PNKP protein (p.Thr398Met). In summary, the available evidence is currently insufficient to determine the role of this variant in disease. Therefore, it has been classified as a Variant of Uncertain Significance. Algorithms developed to predict the effect of missense changes on protein structure and function are either unavailable or do not agree on the potential impact of this missense change (SIFT: "Deleterious"; PolyPhen-2: "Benign"; Align-GVGD: "Class C0"). This variant has not been reported in the literature in individuals affected with PNKP-related conditions. This variant is not present in population databases (gnomAD no frequency).